The following is an entry in ClinVar:

NM_001135649.3(FOXI3):c.412G>A (p.Glu138Lys)

Gene: FOXI3 (forkhead box I3; minus strand). Cytogenetic location: 2p11.2.
Variant type: single nucleotide variant.
Coding change: c.412G>A on transcript NM_001135649.3 (MANE Select); coding-DNA position 412, G replaced by A.
Protein change: p.Glu138Lys; replaces glutamic acid 138 with lysine.
Molecular consequence: missense variant.
Genome position (GRCh38, 1-based): chr2:88,452,124, C>T on the plus strand (G>A on the coding strand, the complement: FOXI3 is on the minus strand). VCF-style: chr2-88452124-C-T. GRCh37 (hg19) VCF-style: chr2-88751643-C-T.
Other names: short protein forms E138K.
Identifiers: ClinVar variation 1438449 (VCV001438449.6), dbSNP rs1486600766, ClinGen allele CA347766410.

ClinVar aggregate classification (germline): Uncertain significance (1 of 4 stars; one submission).

Allele frequency attached by ClinVar (database versions not stated): gnomAD exomes 0.00001; TOPMed 0.00001.
gnomAD v4.1: 7 of 1,550,354 alleles (0.00045%); highest among the groups gnomAD compares: Non-Finnish European, 0.00061%; no homozygotes.

Submission:

Labcorp Genetics (formerly Invitae), Labcorp
Classification: Uncertain significance. Last evaluated: 2022-06-20. Review status: criteria provided, single submitter. Criteria: Invitae Variant Classification Sherloc (09022015). Collection method: clinical testing. Allele origin: germline.
Comment: In summary, the available evidence is currently insufficient to determine the role of this variant in disease. Therefore, it has been classified as a Variant of Uncertain Significance. Experimental studies and prediction algorithms are not available or were not evaluated, and the functional significance of this variant is currently unknown. This variant has not been reported in the literature in individuals affected with FOXI3-related conditions. This variant is not present in population databases (gnomAD no frequency). This sequence change replaces glutamic acid, which is acidic and polar, with lysine, which is basic and polar, at codon 138 of the FOXI3 protein (p.Glu138Lys).